The following is an entry in ClinVar:

NM_033409.4(SLC52A3):c.*12A>G

Gene: SLC52A3 (solute carrier family 52 member 3; minus strand). Cytogenetic location: 20p13.
Variant type: single nucleotide variant.
Coding change: c.*12A>G on transcript NM_033409.4 (MANE Select); 12 bases downstream of the stop codon, A replaced by G.
Molecular consequence: 3 prime UTR variant.
Genome position (GRCh38, 1-based): chr20:761,014, T>C on the plus strand (A>G on the coding strand, the complement: SLC52A3 is on the minus strand). VCF-style: chr20-761014-T-C. GRCh37 (hg19) VCF-style: chr20-741658-T-C.
Other names: c.*12A>G (NM_001370085.1, NM_001370086.1).
Identifiers: ClinVar variation 667165 (VCV000667165.4), dbSNP rs547810606, ClinGen allele CA9724502.

ClinVar aggregate classification (germline): Likely benign (1 of 4 stars; one submission).

Allele frequency attached by ClinVar (database versions not stated): gnomAD 0.00001; gnomAD exomes 0.00008 and 0.00047; TOPMed 0.00015; 1000 Genomes Project 0.00020; 1000 Genomes Project 30x 0.00031; ExAC 0.00056.
gnomAD v4.1: 114 of 1,589,140 alleles (0.0072%); highest among the groups gnomAD compares: Admixed American, 0.2%; 2 homozygotes.

Submission:

Laboratory for Molecular Medicine, Mass General Brigham Personalized Medicine
Classification: Likely benign. Last evaluated: 2017-08-23. Review status: criteria provided, single submitter. Criteria: LMM Criteria. Collection method: clinical testing. Allele origin: germline. Observed: 1 variant allele.
Comment: c.*12A>G in exon 5 of SLC52A3: This variant is not expected to have clinical sig nificance because it has been identified in 0.63% (26/4114) of Latino chromosome s by the Exome Aggregation Consortium (ExAC; dbS NP rs547810606).